The following is an entry in ClinVar:

NM_020778.5(ALPK3):c.4247A>G (p.Tyr1416Cys)

Gene: ALPK3 (alpha kinase 3; plus strand). Cytogenetic location: 15q25.3.
Variant type: single nucleotide variant.
Coding change: c.4247A>G on transcript NM_020778.5 (MANE Select); coding-DNA position 4247, A replaced by G.
Protein change: p.Tyr1416Cys; replaces tyrosine 1416 with cysteine.
Molecular consequence: missense variant.
Genome position (GRCh38, 1-based): chr15:84,862,752, A>G. VCF-style: chr15-84862752-A-G. GRCh37 (hg19) VCF-style: chr15-85405983-A-G.
Other names: short protein forms Y1416C.
Identifiers: ClinVar variation 1722890 (VCV001722890.2), dbSNP rs1414393794, ClinGen allele CA393362895.

ClinVar aggregate classification (germline): Uncertain significance (1 of 4 stars; one submission).

Allele frequency attached by ClinVar (database versions not stated): gnomAD exomes below 0.00001; TOPMed below 0.00001.
gnomAD v4.1: 3 of 1,614,114 alleles (0.00019%); highest among the groups gnomAD compares: East Asian, 0.0045%; no homozygotes.

Submission:

GeneDx
Classification: Uncertain significance. Last evaluated: 2022-05-03. Review status: criteria provided, single submitter. Criteria: GeneDx Variant Classification Process June 2021. Collection method: clinical testing. Allele origin: germline. Affected: yes.
Comment: Has not been previously published as pathogenic or benign to our knowledge; Not observed at significant frequency in large population cohorts (gnomAD); In silico analysis supports that this missense variant has a deleterious effect on protein structure/function